The following is an entry in ClinVar:

NM_001321075.3(DLG4):c.10_13del (p.Leu4fs)

Genes: ACADVL (acyl-CoA dehydrogenase very long chain; plus strand), DLG4 (discs large MAGUK scaffold protein 4; minus strand). Cytogenetic location: 17p13.1.
Variant type: Deletion.
Coding change: c.10_13del on transcript NM_001321075.3 (MANE Select); coding-DNA positions 10 to 13, 4 bases deleted (CTCT; older notation c.10_13delCTCT).
Protein change: p.Leu4fs; shifts the reading frame from leucine 4.
Molecular consequence: frameshift variant. On other transcripts: 5 prime UTR variant (1), intron variant (2).
Genome position (GRCh38, 1-based): chr17:7,217,135-7,217,138, AGAG deleted on the plus strand (CTCT on the coding strand, the reverse complement: DLG4 is on the minus strand); deleting any 4 consecutive bases within chr17:7,217,135-7,217,139 gives the same sequence; the c. name uses the placement nearest the transcript's 3' end. VCF-style (leftmost placement, unchanged base first): chr17-7217134-CAGAG-C. GRCh37 (hg19) VCF-style: chr17-7120453-CAGAG-C.
Other names: NM_001270447.2:c.-10_-7del; c.10_13del, p.Leu4fs (NM_001128827.4); c.-10_-7del (NM_001270447.2); c.159+1103_159+1106del (NM_001365.5, NM_001321074.1); short protein forms L4fs.
Identifiers: ClinVar variation 1805210 (VCV001805210.4), dbSNP rs2508170958, ClinGen allele CA2573050765.

ClinVar aggregate classification (germline): Likely pathogenic. Review status: criteria provided, multiple submitters, no conflicts (2 of 4 stars). 2 submissions from 2 submitters: Likely pathogenic (2). Last evaluated 2023-01-25.

Conditions:
Intellectual developmental disorder 62. Also called: INTELLECTUAL DEVELOPMENTAL DISORDER, AUTOSOMAL DOMINANT 62; MENTAL RETARDATION, AUTOSOMAL DOMINANT 62. Identifiers: MedGen C5394083, MONDO:0032919, OMIM 618793.

Submissions (2):

Broad Center for Mendelian Genomics, Broad Institute of MIT and Harvard
Classification: Likely pathogenic for Intellectual developmental disorder 62. Last evaluated: 2023-01-25. Review status: criteria provided, single submitter. Criteria: ACMG Guidelines, 2015. Collection method: curation. Allele origin: germline. Inheritance: Autosomal dominant inheritance.
Comment: Trio exome analysis showed this variant to be de novo. The p.Leu4ValfsTer2 variant in DLG4 has not been previously reported in individuals with autosomal dominant intellectual developmental disorder 62. This variant was absent from large population studies. This variant is predicted to cause a frameshift, which alters the protein‚Äôs amino acid sequence beginning at position 4 and leads to a premature termination codon 2 amino acids downstream. This alteration is then predicted to lead to a truncated or absent protein. Heterozygous loss of function of the DLG4 gene is strongly associated to autosomal dominant intellectual developmental disorder 62. In summary, although additional studies are required to fully establish its clinical significance, this variant is likely pathogenic for autosomal dominant intellectual developmental disorder 62. ACMG/AMP Criteria applied: PVS1_Strong, PS2_Supporting, PM2_Supporting (Richards 2015).

Victorian Clinical Genetics Services, Murdoch Childrens Research Institute
Classification: Likely pathogenic for Intellectual developmental disorder 62. Last evaluated: 2022-03-31. Review status: criteria provided, single submitter. Criteria: ACMG Guidelines, 2015. Collection method: clinical testing. Allele origin: germline. Inheritance: Autosomal dominant inheritance.
Comment: Based on the classification scheme VCGS_Germline_v1.3.4, this variant is classified as Likely pathogenic. Following criteria are met: 0102 - Loss of function is a known mechanism of disease in this gene and is associated with intellectual developmental disorder 62 (MIM#618793). (I) 0107 - This gene is associated with autosomal dominant disease. (I) 0204 - Variant is predicted to result in a truncated protein. It is located within the first 100 bases of the protein coding region, and therefore the nonsense-mediated decay efficiency is predicted to be lower (PMID: 27618451). (SP) 0219 - This variant is non-coding in alternative transcripts. This variant is located within an exon that is unique to only two RefSeq transcripts (NM_001321075.1 and NM_001128827.4). No pathogenic variants have been reported in this exon (ClinVar); however, gene expression dataset analysis has shown that this exon is expressed in several different human brain tissues (GTEx). (I) 0251 - This variant is heterozygous. (I) 0301 - Variant is absent from gnomAD (both v2 and v3). (SP) 0705 - No comparable premature termination variants have previous evidence for pathogenicity. (I) 0807 - This variant has no previous evidence of pathogenicity. (I) 0905 - No published segregation evidence has been identified for this variant. (I) 1007 - No published functional evidence has been identified for this variant. (SP) Legend: (SP) - Supporting pathogenic, (I) - Information, (SB) - Supporting benign

Literature cited by the submitters: PubMed 27618451 (cited by Victorian Clinical Genetics Services, Murdoch Childrens Research Institute).